The following is an entry in ClinVar:

ClinVar aggregate classification (germline): Uncertain significance. Review status: criteria provided, multiple submitters, no conflicts (2 of 4 stars). 3 submissions from 3 submitters: Uncertain significance (3). Last evaluated 2025-09-04.

Conditions:
Hereditary cancer-predisposing syndrome. Also called: Hereditary Cancer Syndrome; Neoplastic Syndromes, Hereditary; Tumor predisposition; Hereditary neoplastic syndrome. Identifiers: Orphanet 140162, MedGen C0027672, MeSH D009386, MONDO:0015356.
Ataxia-telangiectasia syndrome (AT). Also called: Ataxia-telangiectasia, complementation group D; AT, COMPLEMENTATION GROUP C; Ataxia-telangiectasia; ATAXIA-TELANGIECTASIA, COMPLEMENTATION GROUP A; ATAXIA-TELANGIECTASIA, FRESNO VARIANT; LOUIS-BAR SYNDROME. Identifiers: Orphanet 100, MedGen C0004135, MONDO:0008840, OMIM 208900.

Submissions (3):

Women's Health and Genetics/Laboratory Corporation of America, LabCorp
Classification: Uncertain significance. Last evaluated: 2025-09-04. Review status: criteria provided, single submitter. Criteria: LabCorp Variant Classification Summary - May 2015. Collection method: clinical testing. Allele origin: germline.

Ambry Genetics
Classification: Uncertain significance for Hereditary cancer-predisposing syndrome. Last evaluated: 2024-08-27. Review status: criteria provided, single submitter. Criteria: Ambry Variant Classification Scheme 2023. Collection method: clinical testing. Allele origin: germline.
Comment: The p.Y741S variant (also known as c.2222A>C), located in coding exon 13 of the ATM gene, results from an A to C substitution at nucleotide position 2222. The tyrosine at codon 741 is replaced by serine, an amino acid with dissimilar properties. This amino acid position is poorly conserved in available vertebrate species. In addition, this alteration is predicted to be tolerated by in silico analysis. Based on the available evidence, the clinical significance of this variant remains unclear.

Labcorp Genetics (formerly Invitae), Labcorp
Classification: Uncertain significance for Ataxia-telangiectasia syndrome. Last evaluated: 2018-12-10. Review status: criteria provided, single submitter. Criteria: Invitae Variant Classification Sherloc (09022015). Collection method: clinical testing. Allele origin: germline.
Comment: This sequence change replaces tyrosine with serine at codon 741 of the ATM protein (p.Tyr741Ser). The tyrosine residue is weakly conserved and there is a large physicochemical difference between tyrosine and serine. This variant is not present in population databases (ExAC no frequency). In summary, the available evidence is currently insufficient to determine the role of this variant in disease. Therefore, it has been classified as a Variant of Uncertain Significance. Algorithms developed to predict the effect of missense changes on protein structure and function (SIFT, PolyPhen-2, Align-GVGD) all suggest that this variant is likely to be tolerated, but these predictions have not been confirmed by published functional studies and their clinical significance is uncertain. This variant has not been reported in the literature in individuals with ATM-related conditions.

NM_000051.4(ATM):c.2222A>C (p.Tyr741Ser)

Gene: ATM (ATM serine/threonine kinase; plus strand). Cytogenetic location: 11q22.3.
Variant type: single nucleotide variant.
Coding change: c.2222A>C on transcript NM_000051.4 (MANE Select); coding-DNA position 2222, A replaced by C.
Protein change: p.Tyr741Ser; replaces tyrosine 741 with serine.
Molecular consequence: missense variant.
Genome position (GRCh38, 1-based): chr11:108,256,312, A>C. VCF-style: chr11-108256312-A-C. GRCh37 (hg19) VCF-style: chr11-108127039-A-C.
Other names: c.2222A>C, p.Tyr741Ser (NM_001351834.2); short protein forms Y741S.
Identifiers: ClinVar variation 639227 (VCV000639227.15), dbSNP rs878853492, ClinGen allele CA382539127.